The following is an entry in ClinVar:

ClinVar aggregate classification (germline): Likely benign. Review status: criteria provided, multiple submitters, no conflicts (2 of 4 stars). 3 submissions from 3 submitters: Likely benign (3). Last evaluated 2025-10-29.

Conditions:
DICER1-related tumor predisposition. Also called: DICER1-related pleuropulmonary blastoma cancer predisposition syndrome; DICER1 syndrome. Identifiers: Orphanet 284343, MedGen C3839822, MONDO:0100216.
Hereditary cancer-predisposing syndrome. Also called: Hereditary Cancer Syndrome; Neoplastic Syndromes, Hereditary; Tumor predisposition; Hereditary neoplastic syndrome. Identifiers: Orphanet 140162, MedGen C0027672, MeSH D009386, MONDO:0015356.

Submissions (3):

Labcorp Genetics (formerly Invitae), Labcorp
Classification: Likely benign for DICER1-related tumor predisposition. Last evaluated: 2025-10-29. Review status: criteria provided, single submitter. Criteria: Invitae Variant Classification Sherloc (09022015). Collection method: clinical testing. Allele origin: germline.

Ambry Genetics
Classification: Likely benign for Hereditary cancer-predisposing syndrome. Last evaluated: 2025-08-02. Review status: criteria provided, single submitter. Criteria: Ambry Variant Classification Scheme 2023. Collection method: clinical testing. Allele origin: germline.

CeGaT Center for Human Genetics Tuebingen
Classification: Likely benign. Last evaluated: 2025-08-01. Review status: criteria provided, single submitter. Criteria: CeGaT Center For Human Genetics Tuebingen Variant Classification Criteria Version 2. Collection method: clinical testing. Allele origin: germline. Affected: yes. Observed: 1 variant allele.
Comment: DICER1: PM2:Supporting, BP4, BP7

NM_177438.3(DICER1):c.603C>T (p.Arg201=)

Gene: DICER1 (dicer 1, ribonuclease III; minus strand). Cytogenetic location: 14q32.13.
Variant type: single nucleotide variant.
Coding change: c.603C>T on transcript NM_177438.3 (MANE Select); coding-DNA position 603, C replaced by T.
Protein change: p.Arg201=; no amino-acid change (arginine 201 retained).
Molecular consequence: synonymous variant. On other transcripts: 5 prime UTR variant (1), non-coding transcript variant (6).
Genome position (GRCh38, 1-based): chr14:95,129,603, G>A on the plus strand (C>T on the coding strand, the complement: DICER1 is on the minus strand). VCF-style: chr14-95129603-G-A. GRCh37 (hg19) VCF-style: chr14-95595940-G-A.
Other names: c.603C>T, p.Arg201= (NM_001195573.1, NM_001271282.3, NM_001291628.2 and 14 more transcripts); c.321C>T, p.Arg107= (NM_001395686.1); c.198C>T, p.Arg66= (NM_001395687.1, NM_001395688.1, NM_001395689.1 and 3 more transcripts); c.36C>T, p.Arg12= (NM_001395691.1); c.-966C>T (NM_001395697.1).
Identifiers: ClinVar variation 4085760 (VCV004085760.10).
Genomic context (GRCh38, chr14:95,129,603, plus strand): 5'-TTCTTCCAATTCCTCTGGATCACATTTCCCATTTAAAATGGAAGCAGTTAGTCCCAAAAT[G>A]CGAGGACATGATGGACAATTTTCACAGAGCTAACATAATAAAAGATACTGACAGTAAAGA-3'
Protein context (NP_803187.1, residues 191-211): KLCENCPSCP[Arg201=]ILGLTASILN